The following is an entry in ClinVar:

ClinVar aggregate classification (germline): Uncertain significance (1 of 4 stars; one submission).

Allele frequency attached by ClinVar (database versions not stated): gnomAD exomes below 0.00001.

Submission:

Labcorp Genetics (formerly Invitae), Labcorp
Classification: Uncertain significance. Last evaluated: 2022-06-30. Review status: criteria provided, single submitter. Criteria: Invitae Variant Classification Sherloc (09022015). Collection method: clinical testing. Allele origin: germline.
Comment: This sequence change replaces glutamic acid, which is acidic and polar, with lysine, which is basic and polar, at codon 965 of the TLR7 protein (p.Glu965Lys). This variant is not present in population databases (gnomAD no frequency). This variant has not been reported in the literature in individuals affected with TLR7-related conditions. Algorithms developed to predict the effect of missense changes on protein structure and function are either unavailable or do not agree on the potential impact of this missense change (SIFT: "Tolerated"; PolyPhen-2: "Possibly Damaging"; Align-GVGD: "Class C0"). In summary, the available evidence is currently insufficient to determine the role of this variant in disease. Therefore, it has been classified as a Variant of Uncertain Significance.

NM_016562.4(TLR7):c.2893G>A (p.Glu965Lys)

Gene: TLR7 (toll like receptor 7; plus strand). Cytogenetic location: Xp22.2.
Variant type: single nucleotide variant.
Coding change: c.2893G>A on transcript NM_016562.4 (MANE Select); coding-DNA position 2893, G replaced by A.
Protein change: p.Glu965Lys; replaces glutamic acid 965 with lysine.
Molecular consequence: missense variant.
Genome position (GRCh38, 1-based): chrX:12,888,401, G>A. VCF-style: chrX-12888401-G-A. GRCh37 (hg19) VCF-style: chrX-12906520-G-A.
Other names: short protein forms E965K.
Identifiers: ClinVar variation 2100114 (VCV002100114.4), dbSNP rs2518439486, ClinGen allele CA412411808.
Genomic context (GRCh38, chrX:12,888,401, plus strand): 5'-CAGAGCATACAGCTTAGCAAAAAGACAGTGTTTGTGATGACAGACAAGTATGCAAAGACT[G>A]AAAATTTTAAGATAGCATTTTACTTGTCCCATCAGAGGCTCATGGATGAAAAAGTTGATG-3'
Protein context (NP_057646.1, residues 955-975): FVMTDKYAKT[Glu965Lys]NFKIAFYLSH